The following is an entry in ClinVar:

NM_020964.3(EPG5):c.19C>T (p.Pro7Ser)

Gene: EPG5 (ectopic P-granules 5 autophagy tethering factor; minus strand). Cytogenetic location: 18q21.1.
Variant type: single nucleotide variant.
Coding change: c.19C>T on transcript NM_020964.3 (MANE Select); coding-DNA position 19, C replaced by T.
Protein change: p.Pro7Ser; replaces proline 7 with serine.
Molecular consequence: missense variant.
Genome position (GRCh38, 1-based): chr18:45,967,221, G>A on the plus strand (C>T on the coding strand, the complement: EPG5 is on the minus strand). VCF-style: chr18-45967221-G-A. GRCh37 (hg19) VCF-style: chr18-43547187-G-A.
Other names: c.19C>T, p.Pro7Ser (NM_001410858.1, NM_001410859.1); short protein forms P7S.
Identifiers: ClinVar variation 1998409 (VCV001998409.1), dbSNP rs751686358, ClinGen allele CA8950043.

ClinVar aggregate classification (germline): Uncertain significance (1 of 4 stars; one submission).

Conditions:
Vici syndrome (VICIS). Identifiers: Orphanet 1493, MedGen C1855772, MONDO:0009452, OMIM 242840.

Submission:

Labcorp Genetics (formerly Invitae), Labcorp
Classification: Uncertain significance for Vici syndrome. Last evaluated: 2022-06-13. Review status: criteria provided, single submitter. Criteria: Invitae Variant Classification Sherloc (09022015). Collection method: clinical testing. Allele origin: germline.
Comment: This sequence change replaces proline, which is neutral and non-polar, with serine, which is neutral and polar, at codon 7 of the EPG5 protein (p.Pro7Ser). This variant is present in population databases (rs751686358, gnomAD 0.009%). This variant has not been reported in the literature in individuals affected with EPG5-related conditions. Algorithms developed to predict the effect of missense changes on protein structure and function are either unavailable or do not agree on the potential impact of this missense change (SIFT: "Deleterious"; PolyPhen-2: "Probably Damaging"; Align-GVGD: "Class C0"). In summary, the available evidence is currently insufficient to determine the role of this variant in disease. Therefore, it has been classified as a Variant of Uncertain Significance.